The following is an entry in ClinVar:

NM_005228.5(EGFR):c.628C>T (p.Leu210=)

Gene: EGFR (epidermal growth factor receptor; plus strand). Cytogenetic location: 7p11.2.
Variant type: single nucleotide variant.
Coding change: c.628C>T on transcript NM_005228.5 (MANE Select); coding-DNA position 628, C replaced by T.
Protein change: p.Leu210=; no amino-acid change (leucine 210 retained).
Molecular consequence: synonymous variant. On other transcripts: intron variant (1).
Genome position (GRCh38, 1-based): chr7:55,151,362, C>T. VCF-style: chr7-55151362-C-T. GRCh37 (hg19) VCF-style: chr7-55219055-C-T.
Other names: c.493C>T, p.Leu165= (NM_001346897.2, NM_001346899.2); c.628C>T, p.Leu210= (NM_001346898.2, NM_201282.2, NM_201283.2 and 1 more transcripts); c.469C>T, p.Leu157= (NM_001346900.2); c.89-4468C>T (NM_001346941.2).
Identifiers: ClinVar variation 956417 (VCV000956417.8), dbSNP rs1785140781, ClinGen allele CA454963977.

ClinVar aggregate classification (germline): Conflicting classifications of pathogenicity. Review status: criteria provided, conflicting classifications (1 of 4 stars). 2 submissions from 2 submitters: Uncertain significance (1); Likely benign (1). Last evaluated 2025-09-25.

Conditions:
Hereditary cancer-predisposing syndrome. Also called: Hereditary neoplastic syndrome; Tumor predisposition; Neoplastic Syndromes, Hereditary; Hereditary Cancer Syndrome. Identifiers: Orphanet 140162, MedGen C0027672, MeSH D009386, MONDO:0015356.
EGFR-related lung cancer (EGFR). Identifiers: MedGen CN130014.

Allele frequency attached by ClinVar (database versions not stated): gnomAD exomes below 0.00001; TOPMed below 0.00001.
gnomAD v4.1: 1 of 1,614,172 alleles (0.000062%); highest among the groups gnomAD compares: Non-Finnish European, 0.000085%; no homozygotes.

Submissions (2):

Ambry Genetics
Classification: Likely benign for Hereditary cancer-predisposing syndrome. Last evaluated: 2025-09-25. Review status: criteria provided, single submitter. Criteria: Ambry Variant Classification Scheme 2023. Collection method: clinical testing. Allele origin: germline.

Labcorp Genetics (formerly Invitae), Labcorp
Classification: Uncertain significance for EGFR-related lung cancer. Last evaluated: 2025-09-23. Review status: criteria provided, single submitter. Criteria: Invitae Variant Classification Sherloc (09022015). Collection method: clinical testing. Allele origin: germline.
Comment: This sequence change affects codon 210 of the EGFR mRNA. It is a 'silent' change, meaning that it does not change the encoded amino acid sequence of the EGFR protein. It affects a nucleotide within the consensus splice site. This variant is not present in population databases (gnomAD no frequency). This variant has not been reported in the literature in individuals affected with EGFR-related conditions. ClinVar contains an entry for this variant (Variation ID: 956417). Algorithms developed to predict the effect of sequence changes on RNA splicing suggest that this variant is not likely to affect RNA splicing. In summary, the available evidence is currently insufficient to determine the role of this variant in disease. Therefore, it has been classified as a Variant of Uncertain Significance.